The following is an entry in ClinVar:

NM_000540.3(RYR1):c.14869-1G>T

Gene: RYR1 (ryanodine receptor 1; plus strand). Cytogenetic location: 19q13.2.
Variant type: single nucleotide variant.
Coding change: c.14869-1G>T on transcript NM_000540.3 (MANE Select); the canonical splice acceptor site of the intron before coding-DNA position 14869, G replaced by T.
Molecular consequence: splice acceptor variant.
Genome position (GRCh38, 1-based): chr19:38,586,090, G>T. VCF-style: chr19-38586090-G-T. GRCh37 (hg19) VCF-style: chr19-39076730-G-T.
Other names: c.14854-1G>T (NM_001042723.2).
Identifiers: ClinVar variation 590477 (VCV000590477.5), dbSNP rs193922897, ClinGen allele CA405692595.
Genomic context (GRCh38, chr19:38,586,090, plus strand): 5'-GGGATTACGGGATTCAGGGGGTCAAGTGGGCCTCCACTCTGATGTCTCTTGCCACTCACA[G>T]ACCAAGTGCTTCATCTGTGGAATCGGCAGTGACTACTTTGATACGACACCGCATGGCTTC-3'

ClinVar aggregate classification (germline): Pathogenic/Likely pathogenic. Review status: criteria provided, multiple submitters, no conflicts (2 of 4 stars). 2 submissions from 2 submitters: Pathogenic (1); Likely pathogenic (1). Last evaluated 2025-03-11.

Conditions:
RYR1-related disorder. Also called: RYR1-related disorders; RYR1-related condition. Identifiers: MedGen CN239331.

Submissions (2):

Labcorp Genetics (formerly Invitae), Labcorp
Classification: Likely pathogenic for RYR1-related disorder. Last evaluated: 2025-03-11. Review status: criteria provided, single submitter. Criteria: Invitae Variant Classification Sherloc (09022015). Collection method: clinical testing. Allele origin: germline.
Comment: This sequence change affects an acceptor splice site in intron 103 of the RYR1 gene. It is expected to disrupt RNA splicing. Variants that disrupt the donor or acceptor splice site typically lead to a loss of protein function (PMID: 16199547), and loss-of-function variants in RYR1 are known to be pathogenic (PMID: 23919265, 25960145, 28818389, 30611313). This variant is not present in population databases (gnomAD no frequency). This variant has not been observed in the literature in individuals with autosomal recessive RYR1-related conditions. This variant has been reported in individual(s) with autosomal dominant central core disease (PMID: 16917943, 23919265); however, the role of the variant in this condition is currently unclear. ClinVar contains an entry for this variant (Variation ID: 590477). Algorithms developed to predict the effect of sequence changes on RNA splicing suggest that this variant may disrupt the consensus splice site. In summary, the currently available evidence indicates that the variant is pathogenic, but additional data are needed to prove that conclusively. Therefore, this variant has been classified as Likely Pathogenic.

PreventionGenetics, part of Exact Sciences
Classification: Pathogenic. Last evaluated: 2019-06-14. Review status: criteria provided, single submitter. Criteria: ACMG Guidelines, 2015. Collection method: clinical testing. Allele origin: germline.

Literature cited by the submitters: PubMed 16199547 (cited by Labcorp Genetics (formerly Invitae), Labcorp); PubMed 23919265 (cited by Labcorp Genetics (formerly Invitae), Labcorp); PubMed 25960145 (cited by Labcorp Genetics (formerly Invitae), Labcorp); PubMed 28818389 (cited by Labcorp Genetics (formerly Invitae), Labcorp); PubMed 30611313 (cited by Labcorp Genetics (formerly Invitae), Labcorp); PubMed 16917943 (cited by Labcorp Genetics (formerly Invitae), Labcorp).